The following is an entry in ClinVar:

ClinVar aggregate classification (germline): Uncertain significance (1 of 4 stars; one submission).

Submission:

Ambry Genetics
Classification: Uncertain significance. Last evaluated: 2025-04-13. Review status: criteria provided, single submitter. Criteria: Ambry Variant Classification Scheme 2023. Collection method: clinical testing. Allele origin: germline.
Comment: The p.I25T variant (also known as c.74T>C), located in coding exon 2 of the RECQL gene, results from a T to C substitution at nucleotide position 74. The isoleucine at codon 25 is replaced by threonine, an amino acid with similar properties. This amino acid position is conserved. In addition, the in silico prediction for this alteration is inconclusive. Based on the available evidence, the clinical significance of this variant remains unclear.

NM_002907.4(RECQL):c.74T>C (p.Ile25Thr)

Gene: RECQL (RecQ like helicase; minus strand). Cytogenetic location: 12p12.1.
Variant type: single nucleotide variant.
Coding change: c.74T>C on transcript NM_002907.4 (MANE Select); coding-DNA position 74, T replaced by C.
Protein change: p.Ile25Thr; replaces isoleucine 25 with threonine.
Molecular consequence: missense variant.
Genome position (GRCh38, 1-based): chr12:21,491,659, A>G on the plus strand (T>C on the coding strand, the complement: RECQL is on the minus strand). VCF-style: chr12-21491659-A-G. GRCh37 (hg19) VCF-style: chr12-21644593-A-G.
Other names: c.74T>C, p.Ile25Thr (NM_032941.3); short protein forms I25T.
Identifiers: ClinVar variation 3944205 (VCV003944205.1).
Genomic context (GRCh38, chr12:21,491,659, plus strand): 5'-TTCTTTGTCAGGACTTTTTTTTTCTGAATAAGCTCTTGTTGCCTTTCCGTAAGTTCTTGA[A>G]TTTGAATTTCTACTGCATGTAGCTCACTGGTTATAGAATCCAGTTCCTCAGTTAGAGCTA-3'
Protein context (NP_002898.2, residues 15-35): TSELHAVEIQ[Ile25Thr]QELTERQQEL